The following is an entry in ClinVar:

NM_000260.4(MYO7A):c.1400G>A (p.Arg467Gln)

Gene: MYO7A (myosin VIIA; plus strand). Cytogenetic location: 11q13.5.
Variant type: single nucleotide variant.
Coding change: c.1400G>A on transcript NM_000260.4 (MANE Select); coding-DNA position 1400, G replaced by A.
Protein change: p.Arg467Gln; replaces arginine 467 with glutamine.
Molecular consequence: missense variant.
Genome position (GRCh38, 1-based): chr11:77,162,176, G>A. VCF-style: chr11-77162176-G-A. GRCh37 (hg19) VCF-style: chr11-76873222-G-A.
Other names: c.1400G>A, p.Arg467Gln (NM_001127180.2); c.1367G>A, p.Arg456Gln (NM_001369365.1); short protein forms R456Q, R467Q.
Identifiers: ClinVar variation 1304704 (VCV001304704.10), dbSNP rs376061637, ClinGen allele CA6197490.
Genomic context (GRCh38, chr11:77,162,176, plus strand): 5'-GCAGCTTTGAGCAGCTCTGCATCAACTTCGCCAATGAGCACCTGCAGCAGTTCTTTGTGC[G>A]GCACGTGTTCAAGCTGGAGCAGGAGGAATATGACCTGGAGAGCATTGACTGGCTGCACAT-3'
Protein context (NP_000251.3, residues 457-477): ANEHLQQFFV[Arg467Gln]HVFKLEQEEY

ClinVar aggregate classification (germline): Uncertain significance. Review status: criteria provided, multiple submitters, no conflicts (2 of 4 stars). 6 submissions from 6 submitters: Uncertain significance (6). Last evaluated 2026-03-24.

Conditions:
Inborn genetic diseases. Identifiers: MedGen C0950123, MeSH D030342.
MYO7A-related disorder. Also called: MYO7A-related disorders.

Allele frequency attached by ClinVar (database versions not stated): gnomAD 0.00004 and 0.00003; gnomAD exomes 0.00006 and 0.00007; ESP Exome Variant Server 0.00008; ExAC 0.00011; TOPMed 0.00003.
gnomAD v4.1: 102 of 1,602,066 alleles (0.0064%); highest among the groups gnomAD compares: East Asian, 0.009%; no homozygotes.

Submissions (6):

PreventionGenetics, part of Exact Sciences
Classification: Uncertain significance for MYO7A-related condition. Last evaluated: 2026-03-24. Review status: criteria provided, single submitter. Criteria: ACMG Guidelines, 2015. Collection method: clinical testing. Allele origin: germline.
Comment: The MYO7A c.1400G>A variant is predicted to result in the amino acid substitution p.Arg467Gln. To our knowledge, this variant has not been reported in the literature. This variant is reported in 0.017% of alleles in individuals of East Asian descent in gnomAD. At this time, the clinical significance of this variant is uncertain due to the absence of conclusive functional and genetic evidence.

Labcorp Genetics (formerly Invitae), Labcorp
Classification: Uncertain significance. Last evaluated: 2025-07-16. Review status: criteria provided, single submitter. Criteria: Invitae Variant Classification Sherloc (09022015). Collection method: clinical testing. Allele origin: germline.
Comment: This sequence change replaces arginine, which is basic and polar, with glutamine, which is neutral and polar, at codon 467 of the MYO7A protein (p.Arg467Gln). This variant is present in population databases (rs376061637, gnomAD 0.02%). This variant has not been reported in the literature in individuals affected with MYO7A-related conditions. ClinVar contains an entry for this variant (Variation ID: 1304704). Invitae Evidence Modeling of protein sequence and biophysical properties (such as structural, functional, and spatial information, amino acid conservation, physicochemical variation, residue mobility, and thermodynamic stability) indicates that this missense variant is not expected to disrupt MYO7A protein function with a negative predictive value of 95%. In summary, the available evidence is currently insufficient to determine the role of this variant in disease. Therefore, it has been classified as a Variant of Uncertain Significance.

Ambry Genetics
Classification: Uncertain significance for Inborn genetic diseases. Last evaluated: 2024-11-24. Review status: criteria provided, single submitter. Criteria: Ambry Variant Classification Scheme 2023. Collection method: clinical testing. Allele origin: germline.

Blueprint Genetics
Classification: Uncertain significance. Last evaluated: 2024-10-31. Review status: criteria provided, single submitter. Criteria: ACMG Guidelines, 2015. Collection method: clinical testing. Allele origin: germline.

Revvity Omics, Revvity
Classification: Uncertain significance. Last evaluated: 2024-08-05. Review status: criteria provided, single submitter. Criteria: ACMG Guidelines, 2015. Collection method: clinical testing. Allele origin: germline.

GeneDx
Classification: Uncertain significance. Last evaluated: 2024-06-11. Review status: criteria provided, single submitter. Criteria: GeneDx Variant Classification Process June 2021. Collection method: clinical testing. Allele origin: germline. Affected: yes.
Comment: In silico analysis indicates that this missense variant does not alter protein structure/function; Has not been previously published as pathogenic or benign to our knowledge